The following is an entry in ClinVar:

NM_001148.6(ANK2):c.10180G>T (p.Ala3394Ser)

Gene: ANK2 (ankyrin 2; plus strand). Cytogenetic location: 4q26.
Variant type: single nucleotide variant.
Coding change: c.10180G>T on transcript NM_001148.6 (MANE Select); coding-DNA position 10180, G replaced by T.
Protein change: p.Ala3394Ser; replaces alanine 3394 with serine.
Molecular consequence: missense variant. On other transcripts: intron variant (68).
Genome position (GRCh38, 1-based): chr4:113,358,798, G>T. VCF-style: chr4-113358798-G-T. GRCh37 (hg19) VCF-style: chr4-114279954-G-T.
Other names: c.9946G>T, p.Ala3316Ser (NM_001386142.1); c.6580G>T, p.Ala2194Ser (NM_001386166.1); c.10321G>T, p.Ala3441Ser (NM_001386174.1); c.10297G>T, p.Ala3433Ser (NM_001386175.1); c.4412-2025G>T (NM_001386186.2, NM_001386148.2); c.4214-2025G>T (NM_001354269.3); c.4292-2025G>T (NM_001386187.2); c.4253-2025G>T (NM_001386147.1); and 36 more; short protein forms A2194S, A3316S, A3433S, A3394S, A3441S.
Identifiers: ClinVar variation 1401444 (VCV001401444.9), dbSNP rs777285562, ClinGen allele CA3052037.

ClinVar aggregate classification (germline): Uncertain significance. Review status: criteria provided, multiple submitters, no conflicts (2 of 4 stars). 2 submissions from 2 submitters: Uncertain significance (2). Last evaluated 2025-06-18.

Conditions:
Cardiovascular phenotype. Identifiers: MedGen CN230736.
Long QT syndrome (LQTS). Identifiers: MedGen C0023976, MeSH D008133, MONDO:0002442. Disease mechanism: loss of function. Inheritance: Various modes of inheritance.

Allele frequency attached by ClinVar (database versions not stated): TOPMed 0.00001; ExAC 0.00002.
gnomAD v4.1: 5 of 1,614,126 alleles (0.00031%); highest among the groups gnomAD compares: Admixed American, 0.0083%; no homozygotes.

Submissions (2):

Ambry Genetics
Classification: Uncertain significance for Cardiovascular phenotype. Last evaluated: 2025-06-18. Review status: criteria provided, single submitter. Criteria: Ambry Variant Classification Scheme 2023. Collection method: clinical testing. Allele origin: germline.

Labcorp Genetics (formerly Invitae), Labcorp
Classification: Uncertain significance for Long QT syndrome. Last evaluated: 2022-08-15. Review status: criteria provided, single submitter. Criteria: Invitae Variant Classification Sherloc (09022015). Collection method: clinical testing. Allele origin: germline.
Comment: ClinVar contains an entry for this variant (Variation ID: 1401444). In summary, the available evidence is currently insufficient to determine the role of this variant in disease. Therefore, it has been classified as a Variant of Uncertain Significance. Algorithms developed to predict the effect of missense changes on protein structure and function (SIFT, PolyPhen-2, Align-GVGD) all suggest that this variant is likely to be tolerated. This variant has not been reported in the literature in individuals affected with ANK2-related conditions. This variant is present in population databases (rs777285562, gnomAD 0.01%). This sequence change replaces alanine, which is neutral and non-polar, with serine, which is neutral and polar, at codon 3394 of the ANK2 protein (p.Ala3394Ser).